The following is an entry in ClinVar:

ClinVar aggregate classification (germline): Uncertain significance (1 of 4 stars; one submission).

Allele frequency attached by ClinVar (database versions not stated): gnomAD exomes below 0.00001; TOPMed 0.00001.

Submission:

GeneDx
Classification: Uncertain significance. Last evaluated: 2023-06-28. Review status: criteria provided, single submitter. Criteria: GeneDx Variant Classification Process June 2021. Collection method: clinical testing. Allele origin: germline. Affected: yes.
Comment: Not observed at significant frequency in large population cohorts (gnomAD); In silico analysis supports that this missense variant does not alter protein structure/function; Has not been previously published as pathogenic or benign to our knowledge

NM_021072.4(HCN1):c.1897G>A (p.Val633Met)

Gene: HCN1 (hyperpolarization activated cyclic nucleotide gated potassium channel 1; minus strand). Cytogenetic location: 5p12.
Variant type: single nucleotide variant.
Coding change: c.1897G>A on transcript NM_021072.4 (MANE Select); coding-DNA position 1897, G replaced by A.
Protein change: p.Val633Met; replaces valine 633 with methionine.
Molecular consequence: missense variant.
Genome position (GRCh38, 1-based): chr5:45,262,697, C>T on the plus strand (G>A on the coding strand, the complement: HCN1 is on the minus strand). VCF-style: chr5-45262697-C-T. GRCh37 (hg19) VCF-style: chr5-45262799-C-T.
Other names: short protein forms V633M.
Identifiers: ClinVar variation 1312056 (VCV001312056.3), dbSNP rs756115935, ClinGen allele CA118278385.